The following is an entry in ClinVar:

NM_000069.3(CACNA1S):c.2141T>A (p.Ile714Asn)

Gene: CACNA1S (calcium voltage-gated channel subunit alpha1 S; minus strand). Cytogenetic location: 1q32.1.
Variant type: single nucleotide variant.
Coding change: c.2141T>A on transcript NM_000069.3 (MANE Select); coding-DNA position 2141, T replaced by A.
Protein change: p.Ile714Asn; replaces isoleucine 714 with asparagine.
Molecular consequence: missense variant.
Genome position (GRCh38, 1-based): chr1:201,073,565, A>T on the plus strand (T>A on the coding strand, the complement: CACNA1S is on the minus strand). VCF-style: chr1-201073565-A-T. GRCh37 (hg19) VCF-style: chr1-201042693-A-T.
Other names: short protein forms I714N.
Identifiers: ClinVar variation 2234656 (VCV002234656.4), dbSNP rs1661495809, ClinGen allele CA344113165.

ClinVar aggregate classification (germline): Uncertain significance. Review status: criteria provided, multiple submitters, no conflicts (2 of 4 stars). 2 submissions from 2 submitters: Uncertain significance (2). Last evaluated 2024-05-17.

Conditions:
Inborn genetic diseases. Identifiers: MedGen C0950123, MeSH D030342.
Malignant hyperthermia, susceptibility to, 5 (MHS5). Also called: CACNA1S-Related Malignant Hyperthermia Susceptibility. Identifiers: Orphanet 423, MedGen C1866077, MONDO:0011163, OMIM 601887.

Allele frequency attached by ClinVar (database versions not stated): gnomAD exomes below 0.00001; gnomAD 0.00001.
gnomAD v4.1: 2 of 1,613,534 alleles (0.00012%); highest among the groups gnomAD compares: Admixed American, 0.0033%; no homozygotes.

Submissions (2):

All of Us Research Program, National Institutes of Health
Classification: Uncertain significance for Malignant hyperthermia, susceptibility to, 5. Last evaluated: 2024-05-17. Review status: criteria provided, single submitter. Criteria: ACMG Guidelines, 2015. Collection method: clinical testing. Allele origin: germline. Inheritance: Autosomal dominant inheritance. Observed: 2 variant alleles, 2 heterozygotes.
Comment: This missense variant replaces isoleucine with asparagine at codon 714 of the CACNA1S protein. Computational prediction suggests that this variant may not impact protein structure and function (internally defined REVEL score threshold <= 0.5, PMID: 27666373). To our knowledge, functional studies have not been reported for this variant. This variant has not been reported in individuals affected with CACNA1S-related disorders in the literature. This variant has not been identified in the general population by the Genome Aggregation Database (gnomAD). The available evidence is insufficient to determine the role of this variant in disease conclusively. Therefore, this variant is classified as a Variant of Uncertain Significance.

This study involves interpretation of variants in research participants for the purpose of population health screening. Participant phenotype was not available at the time of variant classification. Additional details can be found in publication PMID: 35346344, PMCID: PMC8962531

Ambry Genetics
Classification: Uncertain significance for Inborn genetic diseases. Last evaluated: 2021-07-13. Review status: criteria provided, single submitter. Criteria: Ambry Variant Classification Scheme 2023. Collection method: clinical testing. Allele origin: germline.
Comment: The c.2141T>A (p.I714N) alteration is located in exon 15 (coding exon 15) of the CACNA1S gene. This alteration results from a T to A substitution at nucleotide position 2141, causing the isoleucine (I) at amino acid position 714 to be replaced by an asparagine (N). Based on data from the Genome Aggregation Database (gnomAD), the CACNA1S c.2141T>A alteration was not observed, with coverage at this position. This amino acid position is not well conserved in available vertebrate species. The p.I714N alteration is predicted to be tolerated by in silico analysis. Based on insufficient or conflicting evidence, the clinical significance of this alteration remains unclear.